The following is an entry in ClinVar:

NM_001130009.3(GEN1):c.1292A>T (p.His431Leu)

Gene: GEN1 (GEN1 Holliday junction 5' flap endonuclease; plus strand). Cytogenetic location: 2p24.2.
Variant type: single nucleotide variant.
Coding change: c.1292A>T on transcript NM_001130009.3 (MANE Select); coding-DNA position 1292, A replaced by T.
Protein change: p.His431Leu; replaces histidine 431 with leucine.
Molecular consequence: missense variant.
Genome position (GRCh38, 1-based): chr2:17,780,005, A>T. VCF-style: chr2-17780005-A-T. GRCh37 (hg19) VCF-style: chr2-17961272-A-T.
Other names: c.1292A>T, p.His431Leu (NM_182625.5); short protein forms H431L.
Identifiers: ClinVar variation 4029215 (VCV004029215.1).

ClinVar aggregate classification (germline): Uncertain significance (1 of 4 stars; one submission).

gnomAD v4.1: 1 of 1,601,234 alleles (0.000062%); highest among the groups gnomAD compares: African/African-American, 0.0013%; no homozygotes.

Submission:

Ambry Genetics
Classification: Uncertain significance. Last evaluated: 2025-04-10. Review status: criteria provided, single submitter. Criteria: Ambry Variant Classification Scheme 2023. Collection method: clinical testing. Allele origin: germline.
Comment: The p.H431L variant (also known as c.1292A>T), located in coding exon 12 of the GEN1 gene, results from an A to T substitution at nucleotide position 1292. The histidine at codon 431 is replaced by leucine, an amino acid with similar properties. This amino acid position is conserved. In addition, this alteration is predicted to be tolerated by in silico analysis. Based on the available evidence, the clinical significance of this variant remains unclear.